The following is an entry in ClinVar:

ClinVar aggregate classification (germline): Pathogenic (1 of 4 stars; one submission).

Conditions:
Glycogen storage disease, type V (GSD5). Also called: MCARDLE DISEASE; MUSCLE GLYCOGEN PHOSPHORYLASE DEFICIENCY; MYOPHOSPHORYLASE DEFICIENCY; PYGM DEFICIENCY; McArdle type glycogen storage disease. Identifiers: Orphanet 368, MedGen C0017924, MONDO:0009293, OMIM 232600.

Submission:

Myriad Genetics, Inc.
Classification: Pathogenic for Glycogen storage disease, type V. Last evaluated: 2024-05-14. Review status: criteria provided, single submitter. Criteria: Myriad Autosomal Dominant, Autosomal Recessive and X-Linked Classification Criteria (2023). Collection method: clinical testing. Allele origin: unknown.
Comment: NM_005609.2(PYGM):c.1045G>T(E349*) is expected to be pathogenic in the context of glycogen storage disease, PYGM-related. This variant is predicted to lead to an abnormal or absent protein product due to the creation of a premature termination codon in PYGM, a gene where loss-of-function variants are known to be pathogenic. Please note: this variant was assessed in the context of healthy population screening.

NM_005609.4(PYGM):c.1045G>T (p.Glu349Ter)

Gene: PYGM (glycogen phosphorylase, muscle associated; minus strand). Cytogenetic location: 11q13.1.
Variant type: single nucleotide variant.
Coding change: c.1045G>T on transcript NM_005609.4 (MANE Select); coding-DNA position 1045, G replaced by T.
Protein change: p.Glu349Ter; replaces glutamic acid 349 with a stop codon.
Molecular consequence: nonsense.
Genome position (GRCh38, 1-based): chr11:64,754,300, C>A on the plus strand (G>T on the coding strand, the complement: PYGM is on the minus strand). VCF-style: chr11-64754300-C-A. GRCh37 (hg19) VCF-style: chr11-64521772-C-A.
Other names: c.781G>T, p.Glu261Ter (NM_001164716.1); short protein forms E261*, E349*.
Identifiers: ClinVar variation 5014487 (VCV005014487.1).